The following is an entry in ClinVar:

ClinVar aggregate classification (germline): Uncertain significance (1 of 4 stars; one submission).

Conditions:
Cardiovascular phenotype. Identifiers: MedGen CN230736.

Allele frequency attached by ClinVar (database versions not stated): TOPMed below 0.00001.
gnomAD v4.1: 8 of 1,611,932 alleles (0.0005%); highest among the groups gnomAD compares: Admixed American, 0.0067%; no homozygotes.

Submission:

Ambry Genetics
Classification: Uncertain significance for Cardiovascular phenotype. Last evaluated: 2023-03-27. Review status: criteria provided, single submitter. Criteria: Ambry Variant Classification Scheme 2023. Collection method: clinical testing. Allele origin: germline.
Comment: The p.G2596E variant (also known as c.7787G>A), located in coding exon 21 of the TNXB gene, results from a G to A substitution at nucleotide position 7787. The glycine at codon 2596 is replaced by glutamic acid, an amino acid with similar properties. This amino acid position is conserved. In addition, this alteration is predicted to be tolerated by in silico analysis. Since supporting evidence is limited at this time, the clinical significance of this alteration remains unclear.

NM_001365276.2(TNXB):c.7787G>A (p.Gly2596Glu)

Gene: TNXB (tenascin XB; minus strand). Cytogenetic location: 6p21.33.
Variant type: single nucleotide variant.
Coding change: c.7787G>A on transcript NM_001365276.2 (MANE Select); coding-DNA position 7787, G replaced by A.
Protein change: p.Gly2596Glu; replaces glycine 2596 with glutamic acid.
Molecular consequence: missense variant.
Genome position (GRCh38, 1-based): chr6:32,058,096, C>T on the plus strand (G>A on the coding strand, the complement: TNXB is on the minus strand). VCF-style: chr6-32058096-C-T. GRCh37 (hg19) VCF-style: chr6-32025873-C-T.
Other names: c.7787G>A, p.Gly2596Glu (NM_019105.8); short protein forms G2596E.
Identifiers: ClinVar variation 2560869 (VCV002560869.2), dbSNP rs1308908138, ClinGen allele CA363550869.
Genomic context (GRCh38, chr6:32,058,096, plus strand): 5'-TGCCCCACCCACACTCACTCACCTGTGACGCCCACGGCAGACACCGGGCCCAGGCGCCGC[C>T]CCTCGTGGAGGCCGTACAGGTGCATCTTGTACTTGCGCCCAGGCTCCAGGCCCCTCACAG-3'
Protein context (NP_001352205.1, residues 2586-2606): YKMHLYGLHE[Gly2596Glu]RRLGPVSAVG